The following is an entry in ClinVar:

ClinVar aggregate classification (germline): Uncertain significance (1 of 4 stars; one submission).

gnomAD v4.1: 5 of 1,614,050 alleles (0.00031%); highest among the groups gnomAD compares: Non-Finnish European, 0.00042%; no homozygotes.

Submission:

Labcorp Genetics (formerly Invitae), Labcorp
Classification: Uncertain significance. Last evaluated: 2024-02-19. Review status: criteria provided, single submitter. Criteria: Invitae Variant Classification Sherloc (09022015). Collection method: clinical testing. Allele origin: germline.
Comment: This sequence change falls in intron 32 of the SNRNP200 gene. It does not directly change the encoded amino acid sequence of the SNRNP200 protein. It affects a nucleotide within the consensus splice site. This variant is not present in population databases (gnomAD no frequency). This variant has not been reported in the literature in individuals affected with SNRNP200-related conditions. Variants that disrupt the consensus splice site are a relatively common cause of aberrant splicing (PMID: 17576681, 9536098). Algorithms developed to predict the effect of sequence changes on RNA splicing suggest that this variant is not likely to affect RNA splicing. In summary, the available evidence is currently insufficient to determine the role of this variant in disease. Therefore, it has been classified as a Variant of Uncertain Significance.

Literature cited by the submitters: PubMed 17576681; PubMed 9536098.

NM_014014.5(SNRNP200):c.4585-3C>A

Gene: SNRNP200 (small nuclear ribonucleoprotein U5 subunit 200; minus strand). Cytogenetic location: 2q11.2.
Variant type: single nucleotide variant.
Coding change: c.4585-3C>A on transcript NM_014014.5 (MANE Select); 3 bases into the intron before coding-DNA position 4585, C replaced by A.
Molecular consequence: intron variant.
Genome position (GRCh38, 1-based): chr2:96,283,716, G>T on the plus strand (C>A on the coding strand, the complement: SNRNP200 is on the minus strand). VCF-style: chr2-96283716-G-T. GRCh37 (hg19) VCF-style: chr2-96949454-G-T.
Identifiers: ClinVar variation 3678710 (VCV003678710.2).